The following is an entry in ClinVar:

NM_001127511.3(APC):c.12C>T (p.Ser4=)

Gene: APC (APC regulator of Wnt signaling pathway; plus strand). Cytogenetic location: 5q22.2.
Variant type: single nucleotide variant.
Coding change: c.12C>T on transcript NM_001127511.3; coding-DNA position 12, C replaced by T.
Protein change: p.Ser4=; no amino-acid change (serine 4 retained).
Molecular consequence: synonymous variant. On other transcripts: 5 prime UTR variant (8), non-coding transcript variant (1), intron variant (5).
Genome position (GRCh38, 1-based): chr5:112,707,729, C>T. VCF-style: chr5-112707729-C-T. GRCh37 (hg19) VCF-style: chr5-112043426-C-T.
Other names: c.-172C>T (NM_001354895.2, NM_001407447.1, NM_001407452.1 and 3 more transcripts); c.12C>T, p.Ser4= (NM_001354897.2, NM_001354902.2, NM_001407446.1); c.-1207C>T (NM_001407470.1, NM_001407472.1); c.-19+80C>T (NM_001407448.1, NM_001407450.1, NM_001407457.1 and 1 more transcripts); c.-43+80C>T (NM_001407453.1).
Identifiers: ClinVar variation 537637 (VCV000537637.10), dbSNP rs1554060261, ClinGen allele CA658796618.

ClinVar aggregate classification (germline): Uncertain significance (1 of 4 stars; one submission).

Conditions:
Familial adenomatous polyposis 1 (FAP1). Also called: FAMILIAL ADENOMATOUS POLYPOSIS 1, ATTENUATED; POLYPOSIS, ADENOMATOUS INTESTINAL. Identifiers: MedGen C2713442, MONDO:0021056, OMIM 175100. Disease mechanism: loss of function.

Submission:

Labcorp Genetics (formerly Invitae), Labcorp
Classification: Uncertain significance for Familial adenomatous polyposis 1. Last evaluated: 2025-09-23. Review status: criteria provided, single submitter. Criteria: Invitae Variant Classification Sherloc (09022015). Collection method: clinical testing. Allele origin: germline.
Comment: This variant occurs in a non-coding region of the APC gene. It does not change the encoded amino acid sequence of the APC protein. This variant is not present in population databases (gnomAD no frequency). This variant has not been reported in the literature in individuals affected with APC-related conditions. ClinVar contains an entry for this variant (Variation ID: 537637). Experimental studies and prediction algorithms are not available or were not evaluated, and the functional significance of this variant is currently unknown. In summary, the available evidence is currently insufficient to determine the role of this variant in disease. Therefore, it has been classified as a Variant of Uncertain Significance.